The following is an entry in ClinVar:

NM_000426.4(LAMA2):c.4879C>T (p.Arg1627Trp)

Gene: LAMA2 (laminin subunit alpha 2; plus strand). Cytogenetic location: 6q22.33.
Variant type: single nucleotide variant.
Coding change: c.4879C>T on transcript NM_000426.4 (MANE Select); coding-DNA position 4879, C replaced by T.
Protein change: p.Arg1627Trp; replaces arginine 1627 with tryptophan.
Molecular consequence: missense variant.
Genome position (GRCh38, 1-based): chr6:129,369,910, C>T. VCF-style: chr6-129369910-C-T. GRCh37 (hg19) VCF-style: chr6-129691055-C-T.
Other names: p.Arg1627Trp; c.4879C>T, p.Arg1627Trp (NM_001079823.2); short protein forms R1627W.
Identifiers: ClinVar variation 2193523 (VCV002193523.13), dbSNP rs773658276, ClinGen allele CA3993708.
Genomic context (GRCh38, chr6:129,369,910, plus strand): 5'-GGCCATTTACTAAAAATGTTTATGGGATGGAATCTTTTTCAGCACTTGCTGTCACCTCAG[C>T]GGGCCCCAGAGAGGCTTATTCAGCTGGCAGAGGGCAATCTGAATACACTCGTGACCGAAA-3'
Protein context (NP_000417.3, residues 1617-1637): QELKHLLSPQ[Arg1627Trp]APERLIQLAE

ClinVar aggregate classification (germline): Conflicting classifications of pathogenicity. Review status: criteria provided, conflicting classifications (1 of 4 stars). 3 submissions from 3 submitters: Uncertain significance (2); Likely benign (1). Last evaluated 2025-07-15.

Conditions:
Hypertrophic cardiomyopathy. Also called: HYPERTROPHIC MYOCARDIOPATHY. Identifiers: Orphanet 217569, MedGen C0007194, MeSH D002312, MONDO:0005045, HP:0001639.
LAMA2-related muscular dystrophy (LAMA2-RD). Also called: Laminin alpha 2-related dystrophy. Identifiers: MedGen C5679788, MONDO:0100228.

Allele frequency attached by ClinVar (database versions not stated): gnomAD 0.00004; ExAC 0.00006.
gnomAD v4.1: 23 of 1,613,836 alleles (0.0014%); highest among the groups gnomAD compares: East Asian, 0.027%; no homozygotes.

Submissions (3):

Labcorp Genetics (formerly Invitae), Labcorp
Classification: Likely benign for LAMA2-related muscular dystrophy. Last evaluated: 2025-07-15. Review status: criteria provided, single submitter. Criteria: Invitae Variant Classification Sherloc (09022015). Collection method: clinical testing. Allele origin: germline.

Mayo Clinic Laboratories, Mayo Clinic
Classification: Uncertain significance. Last evaluated: 2025-02-01. Review status: criteria provided, single submitter. Criteria: ACMG Guidelines, 2015. Collection method: clinical testing. Allele origin: germline. Observed: 1 variant allele.
Comment: BP4

Clinical Center for Gene Diagnosis and Therapy, Department of Cardiovascular Surgery, The Second Xiangya Hospital of Central South University
Classification: Uncertain significance for Hypertrophic cardiomyopathy. Last evaluated: 2023-06-01. Review status: criteria provided, single submitter. Criteria: ACMG Guidelines, 2015. Collection method: clinical testing. Allele origin: germline. Affected: yes.